The following is an entry in ClinVar:

NM_001387430.1(SH2B1):c.2175G>C (p.Val725=)

Gene: SH2B1 (SH2B adaptor protein 1; plus strand). Cytogenetic location: 16p11.2.
Variant type: single nucleotide variant.
Coding change: c.2175G>C on transcript NM_001387430.1 (MANE Select); coding-DNA position 2175, G replaced by C.
Protein change: p.Val725=; no amino-acid change (valine 725 retained).
Molecular consequence: synonymous variant. On other transcripts: 3 prime UTR variant (5).
Genome position (GRCh38, 1-based): chr16:28,873,724, G>C. VCF-style: chr16-28873724-G-C. GRCh37 (hg19) VCF-style: chr16-28885045-G-C.
Other names: c.2175G>C, p.Val725= (NM_001145795.2, NM_001308293.2, NM_001387404.1); c.*259G>C (NM_001145796.2, NM_001145812.2, NM_001308294.2 and 1 more transcripts); c.*276G>C (NM_001145797.2).
Identifiers: ClinVar variation 3348551 (VCV003348551.1).
Genomic context (GRCh38, chr16:28,873,724, plus strand): 5'-AGAGGCCATAGCCCCAGGCTCAGAGGCCCAGGGCGCTGGGTCTGGTGGGGACGCGGGGGT[G>C]CCCCCAATGGTGCAGCTGCAGCAGTCACCACTAGGGGGTGATGGAGAGGAAGGGGGCCAC-3'
Protein context (NP_001374359.1, residues 715-735): QGAGSGGDAG[Val725=]PPMVQLQQSP

ClinVar aggregate classification (germline): Likely benign (0 of 4 stars; one submission).

Conditions:
SH2B1-related disorder. Also called: SH2B1-related condition.

Submission:

PreventionGenetics, part of Exact Sciences
Classification: Likely benign for SH2B1-related condition. Last evaluated: 2023-12-27. Review status: no assertion criteria provided. Collection method: clinical testing. Allele origin: germline.
Comment: This variant is classified as likely benign based on ACMG/AMP sequence variant interpretation guidelines (Richards et al. 2015 PMID: 25741868, with internal and published modifications).